The following is an entry in ClinVar:

ClinVar aggregate classification (germline): Uncertain significance (1 of 4 stars; one submission).

Submission:

Ambry Genetics
Classification: Uncertain significance. Last evaluated: 2025-09-10. Review status: criteria provided, single submitter. Criteria: Ambry Variant Classification Scheme 2023. Collection method: clinical testing. Allele origin: germline.
Comment: The p.E461Q variant (also known as c.1381G>C), located in coding exon 2 of the CDK12 gene, results from a G to C substitution at nucleotide position 1381. The glutamic acid at codon 461 is replaced by glutamine, an amino acid with highly similar properties. This amino acid position is conserved. In addition, this alteration is predicted to be tolerated by in silico analysis. Based on the available evidence, the clinical significance of this variant remains unclear.

NM_016507.4(CDK12):c.1381G>C (p.Glu461Gln)

Gene: CDK12 (cyclin dependent kinase 12; plus strand). Cytogenetic location: 17q12.
Variant type: single nucleotide variant.
Coding change: c.1381G>C on transcript NM_016507.4 (MANE Select); coding-DNA position 1381, G replaced by C.
Protein change: p.Glu461Gln; replaces glutamic acid 461 with glutamine.
Molecular consequence: missense variant.
Genome position (GRCh38, 1-based): chr17:39,471,213, G>C. VCF-style: chr17-39471213-G-C. GRCh37 (hg19) VCF-style: chr17-37627466-G-C.
Other names: c.1381G>C, p.Glu461Gln (NM_015083.4); short protein forms E461Q.
Identifiers: ClinVar variation 4224452 (VCV004224452.1).
Genomic context (GRCh38, chr17:39,471,213, plus strand): 5'-GGTTTGGAGTCTAAAAAGTTACCCAGAAGTGTAAAATTGGAAAAATCTGCCCCAGATACT[G>C]AACTGGTGAATGTAACACATCTAAACACAGAGGTAAAAAATTCTTCAGATACAGGGAAAG-3'
Protein context (NP_057591.2, residues 451-471): VKLEKSAPDT[Glu461Gln]LVNVTHLNTE